The following is an entry in ClinVar:

NM_000179.3(MSH6):c.526A>G (p.Met176Val)

Gene: MSH6 (mutS homolog 6; plus strand). Cytogenetic location: 2p16.3.
Variant type: single nucleotide variant.
Coding change: c.526A>G on transcript NM_000179.3 (MANE Select); coding-DNA position 526, A replaced by G.
Protein change: p.Met176Val; replaces methionine 176 with valine.
Molecular consequence: missense variant. On other transcripts: 5 prime UTR variant (1), intron variant (2).
Genome position (GRCh38, 1-based): chr2:47,795,962, A>G. VCF-style: chr2-47795962-A-G. GRCh37 (hg19) VCF-style: chr2-48023101-A-G.
Other names: c.-377A>G (NM_001281494.2); c.-279-2649A>G (NM_001281493.2); c.238-2649A>G (NM_001281492.2); short protein forms M176V.
Identifiers: ClinVar variation 187570 (VCV000187570.25), dbSNP rs750327994, ClinGen allele CA015793.

ClinVar aggregate classification (germline): Conflicting classifications of pathogenicity. Review status: criteria provided, conflicting classifications (1 of 4 stars). 5 submissions from 5 submitters: Uncertain significance (4); Likely benign (1). Last evaluated 2026-09-14.

Conditions:
MSH6-related disorder. Also called: MSH6-related condition; MSH6-Related disorders.
Hereditary nonpolyposis colorectal neoplasms. Identifiers: MedGen C0009405, MeSH D003123.
Hereditary cancer-predisposing syndrome. Also called: Neoplastic Syndromes, Hereditary; Tumor predisposition; Hereditary neoplastic syndrome; Hereditary Cancer Syndrome. Identifiers: Orphanet 140162, MedGen C0027672, MeSH D009386, MONDO:0015356.
Lynch syndrome. Identifiers: Orphanet 144, MedGen C4552100, MONDO:0005835. Disease mechanism: loss of function.

Allele frequency attached by ClinVar (database versions not stated): gnomAD exomes below 0.00001 and 0.00001; TOPMed below 0.00001; ExAC 0.00001.

Submissions (5):

PreventionGenetics, part of Exact Sciences
Classification: Uncertain significance for MSH6-related condition. Last evaluated: 2026-09-14. Review status: criteria provided, single submitter. Criteria: ACMG Guidelines, 2015. Collection method: clinical testing. Allele origin: germline.
Comment: The MSH6 c.526A>G variant is predicted to result in the amino acid substitution p.Met176Val. To our knowledge, this variant has not been reported in individuals with MSH6-related disease. This variant is reported in 0.0029% of alleles in individuals of Latino descent in gnomAD. In ClinVar, this variant has conflicting interpretations of pathogenicity, ranging from likely benign to uncertain. At this time, the clinical significance of this variant is uncertain due to the absence of conclusive functional and genetic evidence.

Color Diagnostics, LLC DBA Color Health
Classification: Uncertain significance for Hereditary cancer-predisposing syndrome. Last evaluated: 2025-12-10. Review status: criteria provided, single submitter. Criteria: ACMG Guidelines, 2015. Collection method: clinical testing. Allele origin: germline.
Comment: This missense variant replaces methionine with valine at codon 176 of the MSH6 protein. Computational prediction suggests that this variant may not impact protein structure and function. To our knowledge, functional studies have not been reported for this variant. This variant has not been reported in individuals affected with MSH6-related disorders in the literature. This variant has been identified in 17/1614186 chromosomes in the general population by the Genome Aggregation Database (gnomAD). The available evidence is insufficient to determine the role of this variant in disease conclusively. Therefore, this variant is classified as a Variant of Uncertain Significance.

Labcorp Genetics (formerly Invitae), Labcorp
Classification: Likely benign for Hereditary nonpolyposis colorectal neoplasms. Last evaluated: 2024-05-17. Review status: criteria provided, single submitter. Criteria: Invitae Variant Classification Sherloc (09022015). Collection method: clinical testing. Allele origin: germline.

Ambry Genetics
Classification: Uncertain significance for Hereditary cancer-predisposing syndrome. Last evaluated: 2024-04-01. Review status: criteria provided, single submitter. Criteria: Ambry Variant Classification Scheme 2023. Collection method: clinical testing. Allele origin: germline.
Comment: The p.M176V variant (also known as c.526A>G), located in coding exon 3 of the MSH6 gene, results from an A to G substitution at nucleotide position 526. The methionine at codon 176 is replaced by valine, an amino acid with highly similar properties. This amino acid position is highly conserved in available vertebrate species. In addition, the in silico prediction for this alteration is inconclusive. Since supporting evidence is limited at this time, the clinical significance of this alteration remains unclear.

All of Us Research Program, National Institutes of Health
Classification: Uncertain significance for Lynch syndrome. Last evaluated: 2023-10-30. Review status: criteria provided, single submitter. Criteria: ACMG Guidelines, 2015. Collection method: clinical testing. Allele origin: germline. Inheritance: Autosomal dominant inheritance. Observed: 3 variant alleles, 3 heterozygotes.
Comment: This missense variant replaces methionine with valine at codon 176 of the MSH6 protein. Computational prediction suggests that this variant may not impact protein structure and function (internally defined REVEL score threshold <= 0.5, PMID: 27666373). To our knowledge, functional studies have not been reported for this variant. This variant has not been reported in individuals affected with MSH6-related disorders in the literature. This variant has been identified in 1/251456 chromosomes in the general population by the Genome Aggregation Database (gnomAD). The available evidence is insufficient to determine the role of this variant in disease conclusively. Therefore, this variant is classified as a Variant of Uncertain Significance.

This study involves interpretation of variants in research participants for the purpose of population health screening. Participant phenotype was not available at the time of variant classification. Additional details can be found in publication PMID: 35346344, PMCID: PMC8962531